The following is an entry in ClinVar:

ClinVar aggregate classification (germline): Likely benign. Review status: criteria provided, multiple submitters, no conflicts (2 of 4 stars). 3 submissions from 3 submitters: Likely benign (2). 1 of the submissions does not count toward it. Last evaluated 2025-10-10.

Conditions:
TUBA1A-related disorder. Also called: TUBA1A-related condition.

gnomAD v4.1: 36 of 1,614,106 alleles (0.0022%); highest among the groups gnomAD compares: Admixed American, 0.035%; no homozygotes.

Submissions (3):

Labcorp Genetics (formerly Invitae), Labcorp
Classification: Likely benign. Last evaluated: 2025-10-10. Review status: criteria provided, single submitter. Criteria: Invitae Variant Classification Sherloc (09022015). Collection method: clinical testing. Allele origin: germline.

Athena Diagnostics
Classification: Likely benign. Last evaluated: 2018-01-26. Review status: criteria provided, single submitter. Criteria: Athena Diagnostics Criteria. Collection method: clinical testing. Allele origin: germline.

PreventionGenetics, part of Exact Sciences
Classification: Likely benign for TUBA1A-related condition. Last evaluated: 2020-02-19. Review status: no assertion criteria provided. Collection method: clinical testing. Allele origin: germline. Not counted in ClinVar's aggregate classification.
Comment: This variant is classified as likely benign based on ACMG/AMP sequence variant interpretation guidelines (Richards et al. 2015 PMID: 25741868, with internal and published modifications).

NM_006009.4(TUBA1A):c.1230G>C (p.Gly410=)

Gene: TUBA1A (tubulin alpha 1a; minus strand). Cytogenetic location: 12q13.12.
Variant type: single nucleotide variant.
Coding change: c.1230G>C on transcript NM_006009.4 (MANE Select); coding-DNA position 1230, G replaced by C.
Protein change: p.Gly410=; no amino-acid change (glycine 410 retained).
Molecular consequence: synonymous variant.
Genome position (GRCh38, 1-based): chr12:49,185,136, C>G on the plus strand (G>C on the coding strand, the complement: TUBA1A is on the minus strand). VCF-style: chr12-49185136-C-G. GRCh37 (hg19) VCF-style: chr12-49578919-C-G.
Other names: c.1230G>C, p.Gly410= (NM_001270399.2); c.1125G>C, p.Gly375= (NM_001270400.2).
Identifiers: ClinVar variation 586915 (VCV000586915.12), dbSNP rs772809398, ClinGen allele CA6550206.